The following is an entry in ClinVar:

ClinVar aggregate classification (germline): Uncertain significance (1 of 4 stars; one submission).

Submission:

GeneDx
Classification: Uncertain significance. Last evaluated: 2024-06-07. Review status: criteria provided, single submitter. Criteria: GeneDx Variant Classification Process June 2021. Collection method: clinical testing. Allele origin: germline. Affected: yes.
Comment: Canonical splice site variant predicted to result in a null allele in a gene for which loss of function is a known mechanism of disease; Has not been previously published as pathogenic or benign to our knowledge; No data available from control populations to assess the frequency of this variant

NM_001348800.3(ZBTB20):c.-153-1G>C

Genes: ZBTB20 (zinc finger and BTB domain containing 20; minus strand), ZBTB20-AS1 (ZBTB20 antisense RNA 1; plus strand). Cytogenetic location: 3q13.31.
Variant type: single nucleotide variant.
Coding change: c.-153-1G>C on transcript NM_001348800.3 (MANE Select); the canonical splice acceptor site of the intron before 153 bases upstream of the start codon, G replaced by C.
Molecular consequence: splice acceptor variant. On other transcripts: intron variant (12).
Genome position (GRCh38, 1-based): chr3:114,380,941, C>G on the plus strand (G>C on the coding strand, the complement: ZBTB20 is on the minus strand). VCF-style: chr3-114380941-C-G. GRCh37 (hg19) VCF-style: chr3-114099788-C-G.
Other names: c.-208-537G>C (NM_015642.7, NM_001348801.3, NM_001348802.3 and 9 more transcripts); c.-153-1G>C (NM_001348803.3, NM_001393393.1, NM_001393394.1 and 1 more transcripts).
Identifiers: ClinVar variation 3390687 (VCV003390687.1).